The following is an entry in ClinVar:

ClinVar aggregate classification (germline): Pathogenic/Likely pathogenic. Review status: criteria provided, multiple submitters, no conflicts (2 of 4 stars). 3 submissions from 2 submitters: Pathogenic (2); Likely pathogenic (1). Last evaluated 2025-05-12.

Conditions:
Pheochromocytoma. Also called: MAX-Related Hereditary Paraganglioma-Pheochromocytoma Syndrome. Identifiers: Orphanet 29072, MedGen C0031511, MONDO:0008233, OMIM 171300, HP:0002666.
Pheochromocytoma/paraganglioma syndrome 1. Also called: PARAGANGLIOMATA; Paragangliomas 1; Glomus tumors familial 1; Paraganglioma - glomus jugulare; SDHD-Related Hereditary Paraganglioma-Pheochromocytoma Syndrome; PARAGANGLIOMAS, FAMILIAL NONCHROMAFFIN, 1. Identifiers: Orphanet 29072, MedGen C3494181, MONDO:0008192, OMIM 168000.
Cowden syndrome 3 (CWS3). Identifiers: Orphanet 201, MedGen CN166604, MONDO:0014045.
Paragangliomas with sensorineural hearing loss. Identifiers: MedGen C1868633.
Carney-Stratakis syndrome. Also called: PARAGANGLIOMA AND GASTROINTESTINAL STROMAL TUMOR. Identifiers: Orphanet 97286, MedGen C1847319, MONDO:0011740, OMIM 606864.
Hereditary cancer-predisposing syndrome. Also called: Hereditary neoplastic syndrome; Neoplastic Syndromes, Hereditary; Tumor predisposition; Hereditary Cancer Syndrome. Identifiers: Orphanet 140162, MedGen C0027672, MeSH D009386, MONDO:0015356.

Submissions (3):

Ambry Genetics
Classification: Pathogenic for Hereditary cancer-predisposing syndrome. Last evaluated: 2025-05-12. Review status: criteria provided, single submitter. Criteria: Ambry Variant Classification Scheme 2023. Collection method: clinical testing. Allele origin: germline.
Comment: The c.394delT pathogenic mutation, located in coding exon 4 of the SDHD gene, results from a deletion of one nucleotide at nucleotide position 394, causing a translational frameshift with a predicted alternate stop codon (p.S132Qfs*3). This alteration occurs at the 3' terminus of theSDHD gene, is not expected to trigger nonsense-mediated mRNA decay, and impacts the last 17.5% of the protein. However, premature stop codons are typically deleterious in nature and the impacted region is critical for protein function and a significant portion of the protein is affected (Ambry internal data). This variant is considered to be rare based on population cohorts in the Genome Aggregation Database (gnomAD). Based on the supporting evidence, this variant is interpreted as a disease-causing mutation

Labcorp Genetics (formerly Invitae), Labcorp
Classification: Pathogenic for Carney-Stratakis syndrome; Paragangliomas with sensorineural hearing loss; Pheochromocytoma; Cowden syndrome 3. Last evaluated: 2023-10-03. Review status: criteria provided, single submitter. Criteria: Invitae Variant Classification Sherloc (09022015). Collection method: clinical testing. Allele origin: germline.
Comment: This sequence change creates a premature translational stop signal (p.Ser132Glnfs*3) in the SDHD gene. While this is not anticipated to result in nonsense mediated decay, it is expected to disrupt the last 28 amino acid(s) of the SDHD protein. This variant is not present in population databases (gnomAD no frequency). This premature translational stop signal has been observed in individual(s) with paraganglioma (PMID: 18551016). ClinVar contains an entry for this variant (Variation ID: 412505). This variant disrupts a region of the SDHD protein in which other variant(s) (p.Leu139Pro) have been determined to be pathogenic (PMID: 21348866). This suggests that this is a clinically significant region of the protein, and that variants that disrupt it are likely to be disease-causing. For these reasons, this variant has been classified as Pathogenic.

Labcorp Genetics (formerly Invitae), Labcorp
Classification: Likely pathogenic for Paragangliomas with sensorineural hearing loss; Pheochromocytoma. Last evaluated: 2016-07-31. Review status: criteria provided, single submitter. Criteria: Invitae Variant Classification Sherloc (09022015). Collection method: clinical testing. Allele origin: germline.
Comment: This sequence change deletes 1 nucleotide from exon 4 of the SDHD mRNA (c.394delT), causing a frameshift at codon 132. This creates a premature translational stop signal in the last exon of the SDHD mRNA (p.Ser132Glnfs*3). While this is not anticipated to result in nonsense mediated decay, it is expected to result in a truncated SDHD protein. While this particular variant has not been reported in the literature, a missense substitution downstream of this variant (p.Leu139Pro) has been determined to be pathogenic (PMID: 21348866), suggesting that the leucine 139 residue is critical for SDHD protein function. In summary, this sequence change results in a frameshift and truncation in the last exon of the SDHD gene, and is located upstream of a residue which is required for SDHD protein function. For these reasons, this variant has been classified as Likely Pathogenic.

Literature cited by the submitters: PubMed 18551016 (cited by Labcorp Genetics (formerly Invitae), Labcorp); PubMed 21348866 (cited by Labcorp Genetics (formerly Invitae), Labcorp).

NM_003002.4(SDHD):c.394del (p.Ser132fs)

Gene: SDHD (succinate dehydrogenase complex subunit D; plus strand). Cytogenetic location: 11q23.1.
Variant type: Deletion.
Coding change: c.394del on transcript NM_003002.4 (MANE Select); coding-DNA position 394, one base deleted (T; older notation c.394delT).
Protein change: p.Ser132fs; shifts the reading frame from serine 132.
Molecular consequence: frameshift variant. On other transcripts: 3 prime UTR variant (1), non-coding transcript variant (1).
Genome position (GRCh38, 1-based): chr11:112,094,884, T deleted; the last of 3 consecutive T bases (chr11:112,094,882-112,094,884); deleting any one gives the same sequence. VCF-style (leftmost placement, unchanged base first): chr11-112094881-CT-C. GRCh37 (hg19) VCF-style: chr11-111965605-CT-C.
Other names: c.249del, p.Gln84fs (NM_001276503.2); c.277del, p.Ser93fs (NM_001276504.2); c.*92del (NM_001276506.2); short protein forms S132fs, S93fs, Q84fs.
Identifiers: ClinVar variation 412505 (VCV000412505.52), dbSNP rs1060503773, ClinGen allele CA16613229.